The following is an entry in ClinVar:

NM_002439.5(MSH3):c.350G>C (p.Gly117Ala)

Gene: MSH3 (mutS homolog 3; plus strand). Cytogenetic location: 5q14.1.
Variant type: single nucleotide variant.
Coding change: c.350G>C on transcript NM_002439.5 (MANE Select); coding-DNA position 350, G replaced by C.
Protein change: p.Gly117Ala; replaces glycine 117 with alanine.
Molecular consequence: missense variant.
Genome position (GRCh38, 1-based): chr5:80,656,523, G>C. VCF-style: chr5-80656523-G-C. GRCh37 (hg19) VCF-style: chr5-79952342-G-C.
Other names: short protein forms G117A.
Identifiers: ClinVar variation 1501249 (VCV001501249.8), dbSNP rs1456712758, ClinGen allele CA360266588.

ClinVar aggregate classification (germline): Uncertain significance (1 of 4 stars; one submission).

Submission:

Labcorp Genetics (formerly Invitae), Labcorp
Classification: Uncertain significance. Last evaluated: 2021-04-27. Review status: criteria provided, single submitter. Criteria: Invitae Variant Classification Sherloc (09022015). Collection method: clinical testing. Allele origin: germline.
Comment: This sequence change replaces glycine with alanine at codon 117 of the MSH3 protein (p.Gly117Ala). The glycine residue is weakly conserved and there is a small physicochemical difference between glycine and alanine. This variant is not present in population databases (ExAC no frequency). In summary, the available evidence is currently insufficient to determine the role of this variant in disease. Therefore, it has been classified as a Variant of Uncertain Significance. Algorithms developed to predict the effect of missense changes on protein structure and function (SIFT, PolyPhen-2, Align-GVGD) all suggest that this variant is likely to be tolerated, but these predictions have not been confirmed by published functional studies and their clinical significance is uncertain. This variant has not been reported in the literature in individuals with MSH3-related conditions.